The following is an entry in ClinVar:

NM_014927.5(CNKSR2):c.2340_2344del (p.His782fs)

Gene: CNKSR2 (connector enhancer of kinase suppressor of Ras 2; plus strand). Cytogenetic location: Xp22.12.
Variant type: Deletion.
Coding change: c.2340_2344del on transcript NM_014927.5 (MANE Select); coding-DNA positions 2340 to 2344, 5 bases deleted (CTTAC; older notation c.2340_2344delCTTAC).
Protein change: p.His782fs; shifts the reading frame from histidine 782.
Molecular consequence: frameshift variant.
Genome position (GRCh38, 1-based): chrX:21,609,265-21,609,269, CTTAC deleted. VCF-style (leftmost placement, unchanged base first): chrX-21609264-GCTTAC-G. GRCh37 (hg19) VCF-style: chrX-21627382-GCTTAC-G.
Other names: c.2250_2254del, p.His752fs (NM_001168647.3, NM_001330773.2); c.2340_2344del, p.His782fs (NM_001168648.3); c.2193_2197del, p.His733fs (NM_001168649.3, NM_001330770.2); c.2103_2107del, p.His703fs (NM_001330771.2, NM_001330772.2); short protein forms H733fs, H752fs, H703fs, H782fs.
Identifiers: ClinVar variation 280628 (VCV000280628.2), dbSNP rs886041798, ClinGen allele CA10603431.

ClinVar aggregate classification (germline): Pathogenic (1 of 4 stars; one submission).

Submission:

GeneDx
Classification: Pathogenic. Last evaluated: 2016-05-20. Review status: criteria provided, single submitter. Criteria: GeneDx Variant Classification (06012015). Collection method: clinical testing. Allele origin: germline. Affected: yes.
Comment: The c.2340_2344delCTTAC pathogenic variant in the CNKSR2 gene has not been reported previously as a pathogenic variant nor as a benign variant, to our knowledge. It causes a frameshift starting with codon Histidine 782, changes this amino acid to a Serine residue, and creates a premature Stop codon at position 13 of the new reading frame, denoted p.His782SerfsX13. This variant is predicted to cause loss of normal protein function either through protein truncation or nonsense-mediated mRNA decay. The c.2340_2344delCTTAC variant was not observed in approximately 6,500 individuals of European and African American ancestry in the NHLBI Exome Sequencing Project, indicating it is not a common benign variant in these populations.